The following is an entry in ClinVar:

ClinVar aggregate classification (germline): Likely pathogenic (1 of 4 stars; one submission).

Conditions:
Stromme syndrome (STROMS). Also called: Strømme Syndrome; Ciliary dyskinesia, primary, 31; APPLE PEEL SYNDROME WITH MICROCEPHALY AND OCULAR ANOMALIES. Identifiers: Orphanet 444069, Orphanet 506307, MedGen C1855705, MONDO:0009477, OMIM 243605.

Submission:

Juno Genomics, Hangzhou Juno Genomics, Inc
Classification: Likely pathogenic for Stromme syndrome. Review status: criteria provided, single submitter. Criteria: ACMG Guidelines, 2015. Collection method: clinical testing. Allele origin: germline.
Comment: Absent from controls (or at extremely low frequency if recessive) in Genome Aggregation Database.;Null variant in a gene where loss of function (LOF) is a known mechanism of disease.

NM_016343.4(CENPF):c.3531del (p.Ser1177_Val1178insTer)

Gene: CENPF (centromere protein F; plus strand). Cytogenetic location: 1q41.
Variant type: Deletion.
Coding change: c.3531del on transcript NM_016343.4 (MANE Select); coding-DNA position 3531, one base deleted (T; older notation c.3531delT).
Protein change: p.Ser1177_Val1178insTer.
Molecular consequence: frameshift variant.
Genome position (GRCh38, 1-based): chr1:214,641,869, T deleted. VCF-style (leftmost placement, unchanged base first): chr1-214641868-CT-C. GRCh37 (hg19) VCF-style: chr1-214815211-CT-C.
Identifiers: ClinVar variation 5019067 (VCV005019067.2).
Genomic context (GRCh38, chr1:214,641,868, plus strand): 5'-TGAAGGTAATGAAGACTAAACATGAATGTCAAAATCTAGAATCAGAACCAATTAGGAACT[CT>C]GTGAAAGAAAGAGAGAGTGAGAGAAATCAATGTAATTTTAAACCTCAGATGGATCTTGAA-3'